The following is an entry in ClinVar:

NM_014956.5(CEP164):c.3364C>T (p.Arg1122Cys)

Gene: CEP164 (centrosomal protein 164; plus strand). Cytogenetic location: 11q23.3.
Variant type: single nucleotide variant.
Coding change: c.3364C>T on transcript NM_014956.5 (MANE Select); coding-DNA position 3364, C replaced by T.
Protein change: p.Arg1122Cys; replaces arginine 1122 with cysteine.
Molecular consequence: missense variant.
Genome position (GRCh38, 1-based): chr11:117,397,176, C>T. VCF-style: chr11-117397176-C-T. GRCh37 (hg19) VCF-style: chr11-117267892-C-T.
Other names: c.3373C>T, p.Arg1125Cys (NM_001271933.2); short protein forms R1122C, R1125C.
Identifiers: ClinVar variation 235637 (VCV000235637.16), dbSNP rs149875085, ClinGen allele CA6295429.

ClinVar aggregate classification (germline): Benign/Likely benign. Review status: criteria provided, multiple submitters, no conflicts (2 of 4 stars). 3 submissions from 3 submitters: Benign (1); Likely benign (1). 1 of the submissions does not count toward it. Last evaluated 2026-02-02.

Conditions:
CEP164-related disorder. Also called: CEP164-related condition.
Nephronophthisis 15 (NPHP15). Identifiers: Orphanet 3156, MedGen C3541853, MONDO:0013917, OMIM 614845.

Allele frequency attached by ClinVar (database versions not stated): gnomAD 0.00008 and 0.00054; gnomAD exomes 0.00148; 1000 Genomes Project 0.00339; TOPMed 0.00015; ExAC 0.00166; ESP Exome Variant Server 0.00008; 1000 Genomes Project 30x 0.00328.
gnomAD v4.1: 1,195 of 1,614,146 alleles (0.074%); highest among the groups gnomAD compares: South Asian, 1.2%; 9 homozygotes.

Submissions (3):

Labcorp Genetics (formerly Invitae), Labcorp
Classification: Benign for Nephronophthisis 15. Last evaluated: 2026-02-02. Review status: criteria provided, single submitter. Criteria: Invitae Variant Classification Sherloc (09022015). Collection method: clinical testing. Allele origin: germline.

Center for Pediatric Genomic Medicine, Children's Mercy Hospital and Clinics
Classification: Likely benign. Last evaluated: 2015-12-21. Review status: criteria provided, single submitter. Criteria: ACMG Guidelines, 2015. Collection method: clinical testing. Allele origin: germline.
ClinVar note: Converted during submission from Likely Benign to Likely benign.

PreventionGenetics, part of Exact Sciences
Classification: Benign for CEP164-related condition. Last evaluated: 2020-12-23. Review status: no assertion criteria provided. Collection method: clinical testing. Allele origin: germline. Not counted in ClinVar's aggregate classification.
Comment: This variant is classified as benign based on ACMG/AMP sequence variant interpretation guidelines (Richards et al. 2015 PMID: 25741868, with internal and published modifications).